The following is an entry in ClinVar:

ClinVar aggregate classification (germline): Benign (1 of 4 stars; one submission).

Conditions:
Combined oxidative phosphorylation defect type 8. Also called: CARDIOMYOPATHY, HYPERTROPHIC MITOCHONDRIAL, FATAL INFANTILE. Identifiers: Orphanet 319504, MedGen C4518839, MONDO:0013570, OMIM 614096.

Allele frequency attached by ClinVar (database versions not stated): gnomAD 0.00663 and 0.00926; TOPMed 0.01042; 1000 Genomes Project 30x 0.03888; 1000 Genomes Project 0.04273.

Submission:

Illumina Laboratory Services, Illumina
Classification: Benign for Combined oxidative phosphorylation defect type 8. Last evaluated: 2018-01-13. Review status: criteria provided, single submitter. Criteria: ICSL Variant Classification Criteria 13 December 2019. Collection method: clinical testing. Allele origin: germline.
Comment: This variant was observed in the ICSL laboratory as part of a predisposition screen in an ostensibly healthy population. It had not been previously curated by ICSL or reported in the Human Gene Mutation Database (HGMD: prior to June 1st, 2018), and was therefore a candidate for classification through an automated scoring system. Utilizing variant allele frequency, disease prevalence and penetrance estimates, and inheritance mode, an automated score was calculated to assess if this variant is too frequent to cause the disease. Based on the score and internal cut-off values, a variant classified as benign is not then subjected to further curation. The score for this variant resulted in a classification of benign for this disease.

NM_020745.4(AARS2):c.*926C>T

Gene: AARS2 (alanyl-tRNA synthetase 2, mitochondrial; minus strand). Cytogenetic location: 6p21.1.
Variant type: single nucleotide variant.
Coding change: c.*926C>T on transcript NM_020745.4 (MANE Select); 926 bases downstream of the stop codon, C replaced by T.
Molecular consequence: 3 prime UTR variant.
Genome position (GRCh38, 1-based): chr6:44,299,621, G>A on the plus strand (C>T on the coding strand, the complement: AARS2 is on the minus strand). VCF-style: chr6-44299621-G-A. GRCh37 (hg19) VCF-style: chr6-44267358-G-A.
Identifiers: ClinVar variation 357040 (VCV000357040.5), dbSNP rs76458008, ClinGen allele CA10627039.